The following is an entry in ClinVar:

ClinVar aggregate classification (germline): Uncertain significance. Review status: criteria provided, multiple submitters, no conflicts (2 of 4 stars). 3 submissions from 3 submitters: Uncertain significance (3). Last evaluated 2025-04-03.

Conditions:
Combined oxidative phosphorylation defect type 8. Also called: CARDIOMYOPATHY, HYPERTROPHIC MITOCHONDRIAL, FATAL INFANTILE. Identifiers: Orphanet 319504, MedGen C4518839, MONDO:0013570, OMIM 614096.

Allele frequency attached by ClinVar (database versions not stated): gnomAD exomes 0.00002 and 0.00006; TOPMed 0.00002; gnomAD 0.00003; ExAC 0.00007; 1000 Genomes Project 30x 0.00016; 1000 Genomes Project 0.00020.
gnomAD v4.1: 36 of 1,614,166 alleles (0.0022%); highest among the groups gnomAD compares: East Asian, 0.016%; no homozygotes.

Submissions (3):

Labcorp Genetics (formerly Invitae), Labcorp
Classification: Uncertain significance. Last evaluated: 2025-04-03. Review status: criteria provided, single submitter. Criteria: Invitae Variant Classification Sherloc (09022015). Collection method: clinical testing. Allele origin: germline.
Comment: This sequence change replaces arginine, which is basic and polar, with glutamine, which is neutral and polar, at codon 722 of the AARS2 protein (p.Arg722Gln). This variant is present in population databases (rs566667883, gnomAD 0.02%). This missense change has been observed in individual(s) with AARS2-related conditions (PMID: 28820624). ClinVar contains an entry for this variant (Variation ID: 281937). Invitae Evidence Modeling of protein sequence and biophysical properties (such as structural, functional, and spatial information, amino acid conservation, physicochemical variation, residue mobility, and thermodynamic stability) indicates that this missense variant is expected to disrupt AARS2 protein function with a positive predictive value of 80%. In summary, the available evidence is currently insufficient to determine the role of this variant in disease. Therefore, it has been classified as a Variant of Uncertain Significance.

Illumina Laboratory Services, Illumina
Classification: Uncertain significance for Combined oxidative phosphorylation defect type 8. Last evaluated: 2018-01-13. Review status: criteria provided, single submitter. Criteria: ICSL Variant Classification Criteria 13 December 2019. Collection method: clinical testing. Allele origin: germline.

Eurofins Ntd Llc (ga)
Classification: Uncertain significance. Last evaluated: 2015-07-21. Review status: criteria provided, single submitter. Criteria: EGL Classification Definitions 2015. Collection method: clinical testing. Allele origin: germline. Observed: 1 variant allele, 1 heterozygote.

Literature cited by the submitters: PubMed 28820624 (cited by Labcorp Genetics (formerly Invitae), Labcorp).

NM_020745.4(AARS2):c.2165G>A (p.Arg722Gln)

Gene: AARS2 (alanyl-tRNA synthetase 2, mitochondrial; minus strand). Cytogenetic location: 6p21.1.
Variant type: single nucleotide variant.
Coding change: c.2165G>A on transcript NM_020745.4 (MANE Select); coding-DNA position 2165, G replaced by A.
Protein change: p.Arg722Gln; replaces arginine 722 with glutamine.
Molecular consequence: missense variant.
Genome position (GRCh38, 1-based): chr6:44,303,156, C>T on the plus strand (G>A on the coding strand, the complement: AARS2 is on the minus strand). VCF-style: chr6-44303156-C-T. GRCh37 (hg19) VCF-style: chr6-44270893-C-T.
Other names: short protein forms R722Q.
Identifiers: ClinVar variation 281937 (VCV000281937.10), dbSNP rs566667883, ClinGen allele CA3834072.